The following is an entry in ClinVar:

NM_001458.5(FLNC):c.7606G>C (p.Gly2536Arg)

Genes: FLNC-AS1 (FLNC antisense RNA 1; minus strand), FLNC (filamin C; plus strand). Cytogenetic location: 7q32.1.
Variant type: single nucleotide variant.
Coding change: c.7606G>C on transcript NM_001458.5 (MANE Select); coding-DNA position 7606, G replaced by C.
Protein change: p.Gly2536Arg; replaces glycine 2536 with arginine.
Molecular consequence: missense variant.
Genome position (GRCh38, 1-based): chr7:128,857,162, G>C. VCF-style: chr7-128857162-G-C. GRCh37 (hg19) VCF-style: chr7-128497216-G-C.
Other names: c.7507G>C, p.Gly2503Arg (NM_001127487.2); short protein forms G2503R, G2536R.
Identifiers: ClinVar variation 1053184 (VCV001053184.9), dbSNP rs1809100312, ClinGen allele CA369219329.

ClinVar aggregate classification (germline): Uncertain significance (1 of 4 stars; one submission).

Conditions:
Myofibrillar myopathy 5. Also called: FILAMINOPATHY, AUTOSOMAL DOMINANT; Filaminopathy (type). Identifiers: Orphanet 171445, MedGen C1836050, MONDO:0012289, OMIM 609524.
Distal myopathy with posterior leg and anterior hand involvement. Also called: WILLIAMS DISTAL MYOPATHY. Identifiers: Orphanet 63273, MedGen C3279722, MONDO:0013550, OMIM 614065.
Hypertrophic cardiomyopathy 26. Also called: Cardiomyopathy, familial hypertrophic, 26. Identifiers: Orphanet 75249, MedGen C4310749, MONDO:0014883, OMIM 617047.

Submission:

Labcorp Genetics (formerly Invitae), Labcorp
Classification: Uncertain significance for Distal myopathy with posterior leg and anterior hand involvement; Myofibrillar myopathy 5; Hypertrophic cardiomyopathy 26. Last evaluated: 2020-07-14. Review status: criteria provided, single submitter. Criteria: Invitae Variant Classification Sherloc (09022015). Collection method: clinical testing. Allele origin: germline.
Comment: In summary, the available evidence is currently insufficient to determine the role of this variant in disease. Therefore, it has been classified as a Variant of Uncertain Significance. Algorithms developed to predict the effect of missense changes on protein structure and function are either unavailable or do not agree on the potential impact of this missense change (SIFT: "Deleterious"; PolyPhen-2: "Probably Damaging"; Align-GVGD: "Class C15"). This variant has not been reported in the literature in individuals with FLNC-related conditions. This variant is not present in population databases (ExAC no frequency). This sequence change replaces glycine with arginine at codon 2536 of the FLNC protein (p.Gly2536Arg). The glycine residue is highly conserved and there is a moderate physicochemical difference between glycine and arginine.